The following is an entry in ClinVar:

ClinVar aggregate classification (germline): Conflicting classifications of pathogenicity. Review status: criteria provided, conflicting classifications (1 of 4 stars). 3 submissions from 3 submitters: Uncertain significance (1); Likely benign (1). 1 of the submissions does not count toward it. Last evaluated 2025-02-12.

Conditions:
RELN-related disorder. Also called: RELN-related condition.
Familial temporal lobe epilepsy 7. Identifiers: Orphanet 101046, MedGen C4225327, MONDO:0014639, OMIM 616436.
Norman-Roberts syndrome (LIS2). Also called: Lissencephaly 2 (Norman-Roberts type). Identifiers: Orphanet 89844, MedGen C0796089, MONDO:0009760, OMIM 257320.

Allele frequency attached by ClinVar (database versions not stated): gnomAD exomes below 0.00001; ExAC 0.00001; gnomAD 0.00001; TOPMed 0.00002.
gnomAD v4.1: 29 of 1,612,606 alleles (0.0018%); highest among the groups gnomAD compares: Non-Finnish European, 0.0024%; no homozygotes.

Submissions (3):

Labcorp Genetics (formerly Invitae), Labcorp
Classification: Likely benign for Familial temporal lobe epilepsy 7; Norman-Roberts syndrome. Last evaluated: 2025-02-12. Review status: criteria provided, single submitter. Criteria: Invitae Variant Classification Sherloc (09022015). Collection method: clinical testing. Allele origin: germline.

Eurofins Ntd Llc (ga)
Classification: Uncertain significance. Last evaluated: 2014-04-24. Review status: criteria provided, single submitter. Criteria: EGL Classification Definitions 2015. Collection method: clinical testing. Allele origin: germline. Observed: 1 variant allele, 1 heterozygote.

PreventionGenetics, part of Exact Sciences
Classification: Likely benign for RELN-related condition. Last evaluated: 2024-05-28. Review status: no assertion criteria provided. Collection method: clinical testing. Allele origin: germline. Not counted in ClinVar's aggregate classification.
Comment: This variant is classified as likely benign based on ACMG/AMP sequence variant interpretation guidelines (Richards et al. 2015 PMID: 25741868, with internal and published modifications).

NM_005045.4(RELN):c.1734G>A (p.Leu578=)

Gene: RELN (reelin; minus strand). Cytogenetic location: 7q22.1.
Variant type: single nucleotide variant.
Coding change: c.1734G>A on transcript NM_005045.4 (MANE Select); coding-DNA position 1734, G replaced by A.
Protein change: p.Leu578=; no amino-acid change (leucine 578 retained).
Molecular consequence: synonymous variant.
Genome position (GRCh38, 1-based): chr7:103,652,580, C>T on the plus strand (G>A on the coding strand, the complement: RELN is on the minus strand). VCF-style: chr7-103652580-C-T. GRCh37 (hg19) VCF-style: chr7-103293027-C-T.
Other names: c.1734G>A, p.Leu578= (NM_173054.3); c.1734G>A (NM_005045.3).
Identifiers: ClinVar variation 167587 (VCV000167587.10), dbSNP rs727504126, ClinGen allele CA234788.